The following is an entry in ClinVar:

ClinVar aggregate classification (germline): Uncertain significance (1 of 4 stars; one submission).

Conditions:
Frasier syndrome. Identifiers: Orphanet 347, MedGen C0950122, MeSH D052159, MONDO:0007635, OMIM 136680.
Wilms tumor 1 (WT1). Also called: Wilms tumor, somatic. Identifiers: Orphanet 654, MedGen CN033288, MONDO:0008679, OMIM 194070.
11p partial monosomy syndrome (WAGR). Also called: WAGR Complex; WAGR Spectrum Disorder; CHROMOSOME 11p13 DELETION SYNDROME; WAGR syndrome. Identifiers: Orphanet 893, MedGen C0206115, MONDO:0008681, OMIM 194072.
Drash syndrome (DDS). Also called: WILMS TUMOR AND PSEUDO- OR TRUE HERMAPHRODITISM; NEPHROPATHY, WILMS TUMOR, AND GENITAL ANOMALIES. Identifiers: Orphanet 220, MedGen C0950121, MONDO:0008682, OMIM 194080.

Submission:

Labcorp Genetics (formerly Invitae), Labcorp
Classification: Uncertain significance for Wilms tumor 1; Drash syndrome; 11p partial monosomy syndrome; Frasier syndrome. Last evaluated: 2023-08-19. Review status: criteria provided, single submitter. Criteria: Invitae Variant Classification Sherloc (09022015). Collection method: clinical testing. Allele origin: germline.
Comment: In summary, the available evidence is currently insufficient to determine the role of this variant in disease. Therefore, it has been classified as a Variant of Uncertain Significance. An algorithm developed to predict the effect of missense changes on protein structure and function (PolyPhen-2) suggests that this variant is likely to be tolerated. ClinVar contains an entry for this variant (Variation ID: 1463072). This variant has not been reported in the literature in individuals affected with WT1-related conditions. This variant is not present in population databases (gnomAD no frequency). This sequence change replaces glutamine, which is neutral and polar, with leucine, which is neutral and non-polar, at codon 215 of the WT1 protein (p.Gln215Leu).

NM_024426.6(WT1):c.659A>T (p.Gln220Leu)

Genes: WT1 (WT1 transcription factor; minus strand), LOC107982234 (WT1/WT1-AS bi-directional promoter region; plus strand). Cytogenetic location: 11p13.
Variant type: single nucleotide variant.
Coding change: c.659A>T on transcript NM_024426.6 (MANE Select); coding-DNA position 659, A replaced by T.
Protein change: p.Gln220Leu; replaces glutamine 220 with leucine.
Molecular consequence: missense variant. On other transcripts: non-coding transcript variant (1).
Genome position (GRCh38, 1-based): chr11:32,434,702, T>A on the plus strand (A>T on the coding strand, the complement: WT1 is on the minus strand). VCF-style: chr11-32434702-T-A. GRCh37 (hg19) VCF-style: chr11-32456248-T-A.
Other names: c.659A>T, p.Gln220Leu (NM_000378.6, NM_024424.5); short protein forms Q220L.
Identifiers: ClinVar variation 1463072 (VCV001463072.8), dbSNP rs1554946409, ClinGen allele CA379964385.